The following is an entry in ClinVar:

NM_005732.4(RAD50):c.1294A>T (p.Ile432Leu)

Gene: RAD50 (RAD50 double strand break repair protein; plus strand). Cytogenetic location: 5q31.1.
Variant type: single nucleotide variant.
Coding change: c.1294A>T on transcript NM_005732.4 (MANE Select); coding-DNA position 1294, A replaced by T.
Protein change: p.Ile432Leu; replaces isoleucine 432 with leucine.
Molecular consequence: missense variant.
Genome position (GRCh38, 1-based): chr5:132,589,679, A>T. VCF-style: chr5-132589679-A-T. GRCh37 (hg19) VCF-style: chr5-131925371-A-T.
Other names: short protein forms I432L.
Identifiers: ClinVar variation 142230 (VCV000142230.12), dbSNP rs587782322, ClinGen allele CA167810.

ClinVar aggregate classification (germline): Uncertain significance. Review status: criteria provided, multiple submitters, no conflicts (2 of 4 stars). 2 submissions from 2 submitters: Uncertain significance (2). Last evaluated 2021-12-11.

Conditions:
Hereditary cancer-predisposing syndrome. Also called: Neoplastic Syndromes, Hereditary; Tumor predisposition; Hereditary Cancer Syndrome; Hereditary neoplastic syndrome. Identifiers: Orphanet 140162, MedGen C0027672, MeSH D009386, MONDO:0015356.

Submissions (2):

Labcorp Genetics (formerly Invitae), Labcorp
Classification: Uncertain significance for Hereditary cancer-predisposing syndrome. Last evaluated: 2021-12-11. Review status: criteria provided, single submitter. Criteria: Invitae Variant Classification Sherloc (09022015). Collection method: clinical testing. Allele origin: germline.
Comment: This sequence change replaces isoleucine, which is neutral and non-polar, with leucine, which is neutral and non-polar, at codon 432 of the RAD50 protein (p.Ile432Leu). In summary, the available evidence is currently insufficient to determine the role of this variant in disease. Therefore, it has been classified as a Variant of Uncertain Significance. Algorithms developed to predict the effect of missense changes on protein structure and function (SIFT, PolyPhen-2, Align-GVGD) all suggest that this variant is likely to be tolerated. ClinVar contains an entry for this variant (Variation ID: 142230). This variant has not been reported in the literature in individuals affected with RAD50-related conditions. This variant is not present in population databases (gnomAD no frequency).

Ambry Genetics
Classification: Uncertain significance for Hereditary cancer-predisposing syndrome. Last evaluated: 2021-09-15. Review status: criteria provided, single submitter. Criteria: Ambry Variant Classification Scheme 2023. Collection method: clinical testing. Allele origin: germline.
Comment: The p.I432L variant (also known as c.1294A>T), located in coding exon 9 of the RAD50 gene, results from an A to T substitution at nucleotide position 1294. The isoleucine at codon 432 is replaced by leucine, an amino acid with highly similar properties. This amino acid position is not well conserved in available vertebrate species. In addition, this alteration is predicted to be tolerated by in silico analysis. Since supporting evidence is limited at this time, the clinical significance of this alteration remains unclear.